The following is an entry in ClinVar:

NM_000718.4(CACNA1B):c.4848C>T (p.Ile1616=)

Gene: CACNA1B (calcium voltage-gated channel subunit alpha1 B; plus strand). Cytogenetic location: 9q34.3.
Variant type: single nucleotide variant.
Coding change: c.4848C>T on transcript NM_000718.4 (MANE Select); coding-DNA position 4848, C replaced by T.
Protein change: p.Ile1616=; no amino-acid change (isoleucine 1616 retained).
Molecular consequence: synonymous variant.
Genome position (GRCh38, 1-based): chr9:138,074,057, C>T. VCF-style: chr9-138074057-C-T. GRCh37 (hg19) VCF-style: chr9-140968509-C-T.
Other names: c.4848C>T, p.Ile1616= (NM_001243812.2).
Identifiers: ClinVar variation 599477 (VCV000599477.52), dbSNP rs77664166, ClinGen allele CA5377162.
Genomic context (GRCh38, chr9:138,074,057, plus strand): 5'-GCAGGCCCTGCCCTACGTGTGTCTGCTCATTGCCATGCTGTTCTTCATCTACGCCATCAT[C>T]GGCATGCAGGTGGGTGCTCCCCTTTGGGACAGAGCGTGGTTCCGGCCTCCCGTGCCCTGG-3'
Protein context (NP_000709.1, residues 1606-1626): IAMLFFIYAI[Ile1616=]GMQVFGNIAL

ClinVar aggregate classification (germline): Benign/Likely benign. Review status: criteria provided, multiple submitters, no conflicts (2 of 4 stars). 7 submissions from 7 submitters: Benign (1); Likely benign (3). 3 of the submissions do not count toward it. Last evaluated 2026-08-01.

Conditions:
CACNA1B-related disorder. Also called: CACNA1B-related condition.

Allele frequency attached by ClinVar (database versions not stated): 1000 Genomes Project 30x 0.00109; 1000 Genomes Project 0.00140; TOPMed 0.00242; gnomAD 0.00285 and 0.00301; gnomAD exomes 0.00285 and 0.00360; ExAC 0.00305; ESP Exome Variant Server 0.00347.
gnomAD v4.1: 5,630 of 1,612,292 alleles (0.35%); highest among the groups gnomAD compares: Non-Finnish European, 0.42%; 18 homozygotes.

Submissions (7):

CeGaT Center for Human Genetics Tuebingen
Classification: Likely benign. Last evaluated: 2026-08-01. Review status: criteria provided, single submitter. Criteria: CeGaT Center For Human Genetics Tuebingen Variant Classification Criteria Version 2. Collection method: clinical testing. Allele origin: germline. Affected: yes. Observed: 27 variant alleles.
Comment: CACNA1B: BP4, BP7, BS2

Labcorp Genetics (formerly Invitae), Labcorp
Classification: Benign. Last evaluated: 2026-02-03. Review status: criteria provided, single submitter. Criteria: Invitae Variant Classification Sherloc (09022015). Collection method: clinical testing. Allele origin: germline.

Institute for Genomic Medicine (IGM) Clinical Laboratory, Nationwide Children's Hospital
Classification: Likely benign. Last evaluated: 2017-05-18. Review status: criteria provided, single submitter. Criteria: ACMG Guidelines, 2015. Collection method: clinical testing. Allele origin: germline.
Comment: BS1, BP6; This alteration has an allele frequency that is greater than expected for the associated disease, and was reported as a benign/likely benign alteration by a reputable source (ClinVar or other correspondence from a clinical testing laboratory).

Breakthrough Genomics
Classification: Likely benign. Review status: criteria provided, single submitter. Criteria: ACMG Guidelines, 2015. Collection method: not provided. Allele origin: germline. Inheritance: Autosomal recessive inheritance. Affected: yes.

PreventionGenetics, part of Exact Sciences
Classification: Likely benign for CACNA1B-related condition. Last evaluated: 2019-06-26. Review status: no assertion criteria provided. Collection method: clinical testing. Allele origin: germline. Not counted in ClinVar's aggregate classification.
Comment: This variant is classified as likely benign based on ACMG/AMP sequence variant interpretation guidelines (Richards et al. 2015 PMID: 25741868, with internal and published modifications).

Clinical Genetics DNA and cytogenetics Diagnostics Lab, Erasmus MC, Erasmus Medical Center
Classification: Likely benign. Review status: no assertion criteria provided. Collection method: clinical testing. Allele origin: germline. Affected: yes. Study: VKGL Data-share Consensus. Not counted in ClinVar's aggregate classification.

Diagnostic Laboratory, Department of Genetics, University Medical Center Groningen
Classification: Likely benign. Review status: no assertion criteria provided. Collection method: clinical testing. Allele origin: germline. Affected: yes. Study: VKGL Data-share Consensus. Not counted in ClinVar's aggregate classification.